The following is an entry in ClinVar:

ClinVar aggregate classification (germline): Uncertain significance (1 of 4 stars; one submission).

Conditions:
Cardiovascular phenotype. Identifiers: MedGen CN230736.

gnomAD v4.1: 17 of 1,550,494 alleles (0.0011%); highest among the groups gnomAD compares: Non-Finnish European, 0.0015%; no homozygotes.

Submission:

Ambry Genetics
Classification: Uncertain significance for Cardiovascular phenotype. Last evaluated: 2024-03-21. Review status: criteria provided, single submitter. Criteria: Ambry Variant Classification Scheme 2023. Collection method: clinical testing. Allele origin: germline.
Comment: The p.S3776R variant (also known as c.11326A>C), located in coding exon 2 of the ZNF469 gene, results from an A to C substitution at nucleotide position 11326. The serine at codon 3776 is replaced by arginine, an amino acid with dissimilar properties. This amino acid position is conserved. In addition, this alteration is predicted to be tolerated by in silico analysis. Based on the available evidence, the clinical significance of this alteration remains unclear.

NM_001367624.2(ZNF469):c.11410A>C (p.Ser3804Arg)

Gene: ZNF469 (zinc finger protein 469; plus strand). Cytogenetic location: 16q24.2.
Variant type: single nucleotide variant.
Coding change: c.11410A>C on transcript NM_001367624.2 (MANE Select); coding-DNA position 11410, A replaced by C.
Protein change: p.Ser3804Arg; replaces serine 3804 with arginine.
Molecular consequence: missense variant.
Genome position (GRCh38, 1-based): chr16:88,438,880, A>C. VCF-style: chr16-88438880-A-C. GRCh37 (hg19) VCF-style: chr16-88505288-A-C.
Other names: NM_001127464.1:c.11326A>C; short protein forms S3804R.
Identifiers: ClinVar variation 3258210 (VCV003258210.1).